The following is an entry in ClinVar:

ClinVar aggregate classification (germline): Conflicting classifications of pathogenicity. Review status: criteria provided, conflicting classifications (1 of 4 stars). 3 submissions from 3 submitters: Uncertain significance (2); Likely benign (1). Last evaluated 2024-11-19.

Conditions:
Ataxia-telangiectasia syndrome (AT). Also called: Ataxia telangiectasia (A-T); Ataxia-telangiectasia, complementation group D; ATAXIA-TELANGIECTASIA, COMPLEMENTATION GROUP A; ATAXIA-TELANGIECTASIA, FRESNO VARIANT; Cerebello-oculocutaneous telangiectasia; Immunodeficiency with ataxia telangiectasia. Identifiers: Orphanet 100, MedGen C0004135, MONDO:0008840, OMIM 208900.
Hereditary cancer-predisposing syndrome. Also called: Neoplastic Syndromes, Hereditary; Hereditary Cancer Syndrome; Tumor predisposition; Hereditary neoplastic syndrome. Identifiers: Orphanet 140162, MedGen C0027672, MeSH D009386, MONDO:0015356.

Allele frequency attached by ClinVar (database versions not stated): gnomAD exomes below 0.00001.
gnomAD v4.1: 2 of 1,613,826 alleles (0.00012%); highest among the groups gnomAD compares: Non-Finnish European, 0.00017%; no homozygotes.

Submissions (3):

Ambry Genetics
Classification: Likely benign for Hereditary cancer-predisposing syndrome. Last evaluated: 2024-11-19. Review status: criteria provided, single submitter. Criteria: Ambry Variant Classification Scheme 2023. Collection method: clinical testing. Allele origin: germline.

Labcorp Genetics (formerly Invitae), Labcorp
Classification: Uncertain significance for Ataxia-telangiectasia syndrome. Last evaluated: 2024-08-04. Review status: criteria provided, single submitter. Criteria: Invitae Variant Classification Sherloc (09022015). Collection method: clinical testing. Allele origin: germline.
Comment: This sequence change replaces glycine, which is neutral and non-polar, with serine, which is neutral and polar, at codon 1302 of the ATM protein (p.Gly1302Ser). This variant is not present in population databases (gnomAD no frequency). This variant has not been reported in the literature in individuals affected with ATM-related conditions. ClinVar contains an entry for this variant (Variation ID: 1692682). An algorithm developed to predict the effect of missense changes on protein structure and function outputs the following: PolyPhen-2: "Benign". The serine amino acid residue is found in multiple mammalian species, which suggests that this missense change does not adversely affect protein function. In summary, the available evidence is currently insufficient to determine the role of this variant in disease. Therefore, it has been classified as a Variant of Uncertain Significance.

Sema4
Classification: Uncertain significance for Hereditary cancer-predisposing syndrome. Last evaluated: 2022-02-28. Review status: criteria provided, single submitter. Criteria: Sema4 Curation Guidelines. Collection method: curation. Allele origin: germline.
Comment: The ATM c.3904G>A (p.G1302S) variant has not been reported in the literature to our knowledge. It was not observed in the large and broad cohorts of the Genome Aggregation Database (PMID: 32461654). This variant has not been reported in ClinVar. In silico tools suggest the impact of the variant on protein function is benign, though these predictions have not been confirmed by functional studies. The evidence is insufficient to meet ACMG/AMP criteria for classifying the variant as benign or pathogenic. Thus, the clinical significance of this variant is currently uncertain.

NM_000051.4(ATM):c.3904G>A (p.Gly1302Ser)

Gene: ATM (ATM serine/threonine kinase; plus strand). Cytogenetic location: 11q22.3.
Variant type: single nucleotide variant.
Coding change: c.3904G>A on transcript NM_000051.4 (MANE Select); coding-DNA position 3904, G replaced by A.
Protein change: p.Gly1302Ser; replaces glycine 1302 with serine.
Molecular consequence: missense variant.
Genome position (GRCh38, 1-based): chr11:108,284,384, G>A. VCF-style: chr11-108284384-G-A. GRCh37 (hg19) VCF-style: chr11-108155111-G-A.
Other names: c.3904G>A, p.Gly1302Ser (NM_001351834.2); short protein forms G1302S.
Identifiers: ClinVar variation 1692682 (VCV001692682.9), dbSNP rs2135707999, ClinGen allele CA382525675.